The following is an entry in ClinVar:

ClinVar aggregate classification (germline): Uncertain significance (1 of 4 stars; one submission).

Allele frequency attached by ClinVar (database versions not stated): gnomAD 0.00001; TOPMed 0.00002.
gnomAD v4.1: 3 of 1,613,952 alleles (0.00019%); highest among the groups gnomAD compares: African/African-American, 0.004%; no homozygotes.

Submission:

Labcorp Genetics (formerly Invitae), Labcorp
Classification: Uncertain significance. Last evaluated: 2022-08-17. Review status: criteria provided, single submitter. Criteria: Invitae Variant Classification Sherloc (09022015). Collection method: clinical testing. Allele origin: germline.
Comment: In summary, the available evidence is currently insufficient to determine the role of this variant in disease. Therefore, it has been classified as a Variant of Uncertain Significance. Algorithms developed to predict the effect of missense changes on protein structure and function are either unavailable or do not agree on the potential impact of this missense change (SIFT: "Deleterious"; PolyPhen-2: "Possibly Damaging"; Align-GVGD: "Class C0"). This variant has not been reported in the literature in individuals affected with C2CD3-related conditions. This variant is present in population databases (rs773620547, gnomAD 0.008%). This sequence change replaces valine, which is neutral and non-polar, with phenylalanine, which is neutral and non-polar, at codon 1087 of the C2CD3 protein (p.Val1087Phe).

NM_001286577.2(C2CD3):c.3259G>T (p.Val1087Phe)

Gene: C2CD3 (C2 domain containing 3 centriole elongation regulator; minus strand). Cytogenetic location: 11q13.4.
Variant type: single nucleotide variant.
Coding change: c.3259G>T on transcript NM_001286577.2 (MANE Select); coding-DNA position 3259, G replaced by T.
Protein change: p.Val1087Phe; replaces valine 1087 with phenylalanine.
Molecular consequence: missense variant.
Genome position (GRCh38, 1-based): chr11:74,093,901, C>A on the plus strand (G>T on the coding strand, the complement: C2CD3 is on the minus strand). VCF-style: chr11-74093901-C-A. GRCh37 (hg19) VCF-style: chr11-73804946-C-A.
Other names: c.3259G>T, p.Val1087Phe (NM_015531.6); short protein forms V1087F.
Identifiers: ClinVar variation 1935701 (VCV001935701.5), dbSNP rs773620547, ClinGen allele CA6182444.
Genomic context (GRCh38, chr11:74,093,901, plus strand): 5'-CACCTCCAGGCACGAGGCCCTGTGCAGAGAAAGCACTTAGTAGGAGCCTTTGCACTGGAA[C>A]CTCAGCTGGCAACAGGAGAGAGTGATGGTGTTCACTATTAAAGATGGGATCTGGAACACA-3'
Protein context (NP_001273506.1, residues 1077-1097): HHHSLLLPAE[Val1087Phe]PVQRLLLSAF